The following is an entry in ClinVar:

NM_152713.5(STT3A):c.1365+84_1365+85insAACATGAAGTGAGAAGCAATGTTAAGAGTAGACTTGGGAAACTCTGTGTGTGTGTGTGTATGTGTGTATGTGGGCAGCGGGGGGTGGGAGGA

Gene: STT3A (STT3 oligosaccharyltransferase complex catalytic subunit A; plus strand). Cytogenetic location: 11q24.2.
Variant type: Insertion.
Coding change: c.1365+84_1365+85insAACATGAAGTGAGAAGCAATGTTAAGAGTAGACTTGGGAAACTCTGTGTGTGTGTGTGTATGTGTGTATGTGGGCAGCGGGGGGTGGGAGGA on transcript NM_152713.5 (MANE Select); bases 84 to 85 of the intron after coding-DNA position 1365, AACATGAAGTGAGAAGCAATGTTAAGAGTAGACTTGGGAAACTCTGTGTGTGTGTGTGTATGTGTGTATGTGGGCAGCGGGGGGTGGGAGGA inserted.
Molecular consequence: splice donor variant.
Genome position: GRCh38: chr11:125,612,831-125,612,832. GRCh37 (hg19): chr11:125,482,726-125,482,727.
Other names: c.1365+84_1365+85insAACATGAAGTGAGAAGCAATGTTAAGAGTAGACTTGGGAAACTCTGTGTGTGTGTGTGTATGTGTGTATGTGGGCAGCGGGGGGTGGGAGGA (NM_001278503.2); c.1089+84_1089+85insAACATGAAGTGAGAAGCAATGTTAAGAGTAGACTTGGGAAACTCTGTGTGTGTGTGTGTATGTGTGTATGTGGGCAGCGGGGGGTGGGAGGA (NM_001278504.2).
Identifiers: ClinVar variation 4723021 (VCV004723021.1).

ClinVar aggregate classification (germline): Uncertain significance (1 of 4 stars; one submission).

Submission:

Labcorp Genetics (formerly Invitae), Labcorp
Classification: Uncertain significance. Last evaluated: 2025-07-10. Review status: criteria provided, single submitter. Criteria: Invitae Variant Classification Sherloc (09022015). Collection method: clinical testing. Allele origin: germline.
Comment: This sequence change falls in intron 13 of the STT3A gene. It does not directly change the encoded amino acid sequence of the STT3A protein. This variant is not present in population databases (gnomAD no frequency). This variant has not been reported in the literature in individuals affected with STT3A-related conditions. Experimental studies and prediction algorithms are not available or were not evaluated, and the effect of this variant on mRNA splicing is currently unknown. In summary, the available evidence is currently insufficient to determine the role of this variant in disease. Therefore, it has been classified as a Variant of Uncertain Significance.